The following is an entry in ClinVar:

ClinVar aggregate classification (germline): Benign/Likely benign. Review status: criteria provided, multiple submitters, no conflicts (2 of 4 stars). 3 submissions from 3 submitters: Benign (2); Likely benign (1). Last evaluated 2026-01-18.

Allele frequency attached by ClinVar (database versions not stated): gnomAD exomes 0.00048 and 0.00122; ExAC 0.00148; gnomAD 0.00460 and 0.00495; TOPMed 0.00505; ESP Exome Variant Server 0.00507; 1000 Genomes Project 30x 0.00515; 1000 Genomes Project 0.00539.
gnomAD v4.1: 1,429 of 1,613,860 alleles (0.089%); highest among the groups gnomAD compares: African/African-American, 1.7%; 10 homozygotes.

Submissions (3):

Labcorp Genetics (formerly Invitae), Labcorp
Classification: Benign. Last evaluated: 2026-01-18. Review status: criteria provided, single submitter. Criteria: Invitae Variant Classification Sherloc (09022015). Collection method: clinical testing. Allele origin: germline.

Blueprint Genetics
Classification: Likely benign. Last evaluated: 2024-11-28. Review status: criteria provided, single submitter. Criteria: ACMG Guidelines, 2015. Collection method: clinical testing. Allele origin: germline.

Laboratory for Molecular Medicine, Mass General Brigham Personalized Medicine
Classification: Benign. Last evaluated: 2014-11-24. Review status: criteria provided, single submitter. Criteria: LMM Criteria. Collection method: clinical testing. Allele origin: germline. Observed: 1 variant allele.
Comment: Ser532Ser in exon 14 of CSF2RB: This variant is not expected to have clinical si gnificance because it does not alter an amino acid residue and is not located wi thin the splice consensus sequence. It has been identified in 1.5% (66/4406) of African American chromosomes from a broad population by the NHLBI Exome Sequenci ng Project (dbSNP rs115580664).

NM_000395.3(CSF2RB):c.1596C>T (p.Ser532=)

Gene: CSF2RB (colony stimulating factor 2 receptor subunit beta; plus strand). Cytogenetic location: 22q12.3.
Variant type: single nucleotide variant.
Coding change: c.1596C>T on transcript NM_000395.3 (MANE Select); coding-DNA position 1596, C replaced by T.
Protein change: p.Ser532=; no amino-acid change (serine 532 retained).
Molecular consequence: synonymous variant.
Genome position (GRCh38, 1-based): chr22:36,937,404, C>T. VCF-style: chr22-36937404-C-T. GRCh37 (hg19) VCF-style: chr22-37333446-C-T.
Identifiers: ClinVar variation 226548 (VCV000226548.14), dbSNP rs115580664, ClinGen allele CA10213944.
Genomic context (GRCh38, chr22:36,937,404, plus strand): 5'-GTCCCAACTCTTCTGCCCATTTTCTTCCCACAGGGTGTTCCCTGTAGGATTCGGGGACAG[C>T]GAGGTGTCACCTCTCACCATAGAGGACCCCAAGCATGTCTGTGATCCACCATCTGGGCCT-3'
Protein context (NP_000386.1, residues 522-542): EGVFPVGFGD[Ser532=]EVSPLTIEDP